The following is an entry in ClinVar:

NM_001378454.1(ALMS1):c.3169A>G (p.Ser1057Gly)

Gene: ALMS1 (ALMS1 centrosome and basal body associated protein; plus strand). Cytogenetic location: 2p13.1.
Variant type: single nucleotide variant.
Coding change: c.3169A>G on transcript NM_001378454.1 (MANE Select); coding-DNA position 3169, A replaced by G.
Protein change: p.Ser1057Gly; replaces serine 1057 with glycine.
Molecular consequence: missense variant.
Genome position (GRCh38, 1-based): chr2:73,449,696, A>G. VCF-style: chr2-73449696-A-G. GRCh37 (hg19) VCF-style: chr2-73676823-A-G.
Other names: c.3172A>G, p.Ser1058Gly (NM_015120.4); short protein forms S1057G, S1058G.
Identifiers: ClinVar variation 1405065 (VCV001405065.7), dbSNP rs750417761, ClinGen allele CA1713474.

ClinVar aggregate classification (germline): Uncertain significance. Review status: criteria provided, multiple submitters, no conflicts (2 of 4 stars). 3 submissions from 3 submitters: Uncertain significance (3). Last evaluated 2024-01-22.

Conditions:
Cardiovascular phenotype. Identifiers: MedGen CN230736.
Alstrom syndrome (ALMS). Identifiers: Orphanet 64, MedGen C0268425, MONDO:0008763, OMIM 203800.

Allele frequency attached by ClinVar (database versions not stated): gnomAD exomes below 0.00001 and 0.00001; ExAC 0.00001.
gnomAD v4.1: 4 of 1,614,016 alleles (0.00025%); highest among the groups gnomAD compares: Non-Finnish European, 0.00034%; no homozygotes.

Submissions (3):

Labcorp Genetics (formerly Invitae), Labcorp
Classification: Uncertain significance for Alstrom syndrome. Last evaluated: 2024-01-22. Review status: criteria provided, single submitter. Criteria: Invitae Variant Classification Sherloc (09022015). Collection method: clinical testing. Allele origin: germline.
Comment: This sequence change replaces serine, which is neutral and polar, with glycine, which is neutral and non-polar, at codon 1058 of the ALMS1 protein (p.Ser1058Gly). This variant is present in population databases (rs750417761, gnomAD no frequency). This variant has not been reported in the literature in individuals affected with ALMS1-related conditions. ClinVar contains an entry for this variant (Variation ID: 1405065). Algorithms developed to predict the effect of missense changes on protein structure and function output the following: SIFT: "Not Available"; PolyPhen-2: "Not Available"; Align-GVGD: "Not Available". The glycine amino acid residue is found in multiple mammalian species, which suggests that this missense change does not adversely affect protein function. In summary, the available evidence is currently insufficient to determine the role of this variant in disease. Therefore, it has been classified as a Variant of Uncertain Significance.

Ambry Genetics
Classification: Uncertain significance for Cardiovascular phenotype. Last evaluated: 2022-01-07. Review status: criteria provided, single submitter. Criteria: Ambry Variant Classification Scheme 2023. Collection method: clinical testing. Allele origin: germline.
Comment: The p.S1058G variant (also known as c.3172A>G), located in coding exon 8 of the ALMS1 gene, results from an A to G substitution at nucleotide position 3172. The serine at codon 1058 is replaced by glycine, an amino acid with similar properties. This amino acid position is highly conserved in available vertebrate species. In addition, this alteration is predicted to be tolerated by in silico analysis. Since supporting evidence is limited at this time, the clinical significance of this alteration remains unclear.

Fulgent Genetics
Classification: Uncertain significance for Alstrom syndrome. Last evaluated: 2021-12-26. Review status: criteria provided, single submitter. Criteria: ACMG Guidelines, 2015. Collection method: clinical testing. Allele origin: unknown.